The following is an entry in ClinVar:

NM_001267550.2(TTN):c.97653A>G (p.Lys32551=)

Genes: TTN (titin; minus strand), TTN-AS1 (TTN antisense RNA 1; plus strand). Cytogenetic location: 2q31.2.
Variant type: single nucleotide variant.
Coding change: c.97653A>G on transcript NM_001267550.2 (MANE Select); coding-DNA position 97653, A replaced by G.
Protein change: p.Lys32551=; no amino-acid change (lysine 32551 retained).
Molecular consequence: synonymous variant.
Genome position (GRCh38, 1-based): chr2:178,541,424, T>C on the plus strand (A>G on the coding strand, the complement: TTN is on the minus strand). VCF-style: chr2-178541424-T-C. GRCh37 (hg19) VCF-style: chr2-179406151-T-C.
Other names: c.92730A>G, p.Lys30910= (NM_001256850.1); c.70458A>G, p.Lys23486= (NM_003319.4); c.89949A>G, p.Lys29983= (NM_133378.4); c.70833A>G, p.Lys23611= (NM_133432.3); c.71034A>G, p.Lys23678= (NM_133437.4).
Identifiers: ClinVar variation 4193723 (VCV004193723.1).

ClinVar aggregate classification (germline): Uncertain significance (1 of 4 stars; one submission).

Conditions:
Cardiovascular phenotype. Identifiers: MedGen CN230736.

gnomAD v4.1: 3 of 1,613,342 alleles (0.00019%); highest among the groups gnomAD compares: African/African-American, 0.004%; no homozygotes.

Submission:

Ambry Genetics
Classification: Uncertain significance for Cardiovascular phenotype. Last evaluated: 2025-07-15. Review status: criteria provided, single submitter. Criteria: Ambry Variant Classification Scheme 2023. Collection method: clinical testing. Allele origin: germline.
Comment: The c.70458A>G variant (also known as p.K23486K), located in coding exon 177 of the TTN gene, results from an A to G substitution at nucleotide position 70458. This nucleotide substitution does not change lysine the at codon 23486. This nucleotide position is well conserved in available vertebrate species. In silico splice site analysis predicts that this alteration may result in the creation or strengthening of a novel splice donor site. Based on the available evidence, the clinical significance of this variant remains unclear.